The following is an entry in ClinVar:

ClinVar aggregate classification (germline): Likely pathogenic (1 of 4 stars; one submission).

Conditions:
Congenital adrenal hyperplasia. Identifiers: Orphanet 418, MedGen C0001627, MONDO:0018479, HP:0008258.

Submission:

Women's Health and Genetics/Laboratory Corporation of America, LabCorp
Classification: Likely pathogenic for Congenital adrenal hyperplasia. Last evaluated: 2024-05-21. Review status: criteria provided, single submitter. Criteria: LabCorp Variant Classification Summary - May 2015. Collection method: clinical testing. Allele origin: germline.
Comment: Variant summary: HSD3B2 c.320T>A (p.Leu107Gln) results in a non-conservative amino acid change located in the 3-beta hydroxysteroid dehydrogenase/isomerase (IPR002225) of the encoded protein sequence. Five of five in-silico tools predict a damaging effect of the variant on protein function. The variant was absent in 250262 control chromosomes. c.320T>A has been reported in the literature as homozygous in an individual affected with 3-hydroxysteroid dehydrogenase 2 (3HSD2) deficiency (Guran_2020). These data indicate that the variant may be associated with disease. At least one publication reports experimental evidence evaluating an impact on protein function. The most pronounced variant effect results in about 12% of normal activity in an in vitro assay (Guran_2020). The following publication have been ascertained in the context of this evaluation (PMID: 31950145). No submitters have cited clinical-significance assessments for this variant to ClinVar. Based on the evidence outlined above, the variant was classified as likely pathogenic.

Literature cited by the submitters: PubMed 31950145.

NM_000198.4(HSD3B2):c.320T>A (p.Leu107Gln)

Gene: HSD3B2 (hydroxy-delta-5-steroid dehydrogenase, 3 beta- and steroid delta-isomerase 2; plus strand). Cytogenetic location: 1p12.
Variant type: single nucleotide variant.
Coding change: c.320T>A on transcript NM_000198.4 (MANE Select); coding-DNA position 320, T replaced by A.
Protein change: p.Leu107Gln; replaces leucine 107 with glutamine.
Molecular consequence: missense variant.
Genome position (GRCh38, 1-based): chr1:119,421,821, T>A. VCF-style: chr1-119421821-T-A. GRCh37 (hg19) VCF-style: chr1-119964444-T-A.
Other names: c.320T>A, p.Leu107Gln (NM_001166120.2); short protein forms L107Q.
Identifiers: ClinVar variation 3336482 (VCV003336482.1).
Genomic context (GRCh38, chr1:119,421,821, plus strand): 5'-CTCCTTTGGGATATTTCCTGACACTGTCATCATGCTCTTCGTGGGCAGGTACCCAGCTAC[T>A]GTTGGAGGCCTGTGTCCAAGCCAGTGTGCCAGTCTTCATCTACACCAGTAGCATAGAGGT-3'
Protein context (NP_000189.1, residues 97-117): MNVNVKGTQL[Leu107Gln]LEACVQASVP